The following is an entry in ClinVar:

NM_002878.4(RAD51D):c.734T>C (p.Val245Ala)

Genes: RAD51L3-RFFL (RAD51L3-RFFL readthrough; minus strand), RAD51D (RAD51 paralog D; minus strand). Cytogenetic location: 17q12.
Variant type: single nucleotide variant.
Coding change: c.734T>C on transcript NM_002878.4 (MANE Select); coding-DNA position 734, T replaced by C.
Protein change: p.Val245Ala; replaces valine 245 with alanine.
Molecular consequence: missense variant. On other transcripts: non-coding transcript variant (3).
Genome position (GRCh38, 1-based): chr17:35,103,258, A>G on the plus strand (T>C on the coding strand, the complement: RAD51D is on the minus strand). VCF-style: chr17-35103258-A-G. GRCh37 (hg19) VCF-style: chr17-33430277-A-G.
Other names: c.794T>C, p.Val265Ala (NM_001142571.2); c.398T>C, p.Val133Ala (NM_133629.3); short protein forms V245A, V265A, V133A.
Identifiers: ClinVar variation 410556 (VCV000410556.14), dbSNP rs1060502956, ClinGen allele CA16615718.

ClinVar aggregate classification (germline): Uncertain significance. Review status: criteria provided, multiple submitters, no conflicts (2 of 4 stars). 4 submissions from 4 submitters: Uncertain significance (4). Last evaluated 2025-03-04.

Conditions:
Breast-ovarian cancer, familial, susceptibility to, 4. Identifiers: Orphanet 145, MedGen C3280345, MONDO:0013669, OMIM 614291.
Hereditary cancer-predisposing syndrome. Also called: Tumor predisposition; Hereditary Cancer Syndrome; Hereditary neoplastic syndrome; Neoplastic Syndromes, Hereditary. Identifiers: Orphanet 140162, MedGen C0027672, MeSH D009386, MONDO:0015356.

Allele frequency attached by ClinVar (database versions not stated): gnomAD exomes below 0.00001.
gnomAD v4.1: 2 of 1,609,036 alleles (0.00012%); highest among the groups gnomAD compares: Non-Finnish European, 0.00017%; no homozygotes.

Submissions (4):

Center for Genomic Medicine, Rigshospitalet, Copenhagen University Hospital
Classification: Uncertain significance. Last evaluated: 2025-03-04. Review status: criteria provided, single submitter. Criteria: ACMG Guidelines, 2015. Collection method: clinical testing. Allele origin: germline.

Color Diagnostics, LLC DBA Color Health
Classification: Uncertain significance for Hereditary cancer-predisposing syndrome. Last evaluated: 2024-03-06. Review status: criteria provided, single submitter. Criteria: ACMG Guidelines, 2015. Collection method: clinical testing. Allele origin: germline.
Comment: This missense variant replaces valine with alanine at codon 245 of the RAD51D protein. Computational prediction suggests that this variant may not impact protein structure and function (internally defined REVEL score threshold <= 0.5, PMID: 27666373). To our knowledge, functional studies have not been reported for this variant. This variant has not been reported in individuals affected with hereditary cancer in the literature. This variant has not been identified in the general population by the Genome Aggregation Database (gnomAD). The available evidence is insufficient to determine the role of this variant in disease conclusively. Therefore, this variant is classified as a Variant of Uncertain Significance.

Ambry Genetics
Classification: Uncertain significance for Hereditary cancer-predisposing syndrome. Last evaluated: 2024-02-24. Review status: criteria provided, single submitter. Criteria: Ambry Variant Classification Scheme 2023. Collection method: clinical testing. Allele origin: germline.
Comment: The p.V245A variant (also known as c.734T>C), located in coding exon 8 of the RAD51D gene, results from a T to C substitution at nucleotide position 734. The valine at codon 245 is replaced by alanine, an amino acid with similar properties. This amino acid position is well conserved in available vertebrate species. In addition, this alteration is predicted to be deleterious by in silico analysis. Since supporting evidence is limited at this time, the clinical significance of this alteration remains unclear.

Labcorp Genetics (formerly Invitae), Labcorp
Classification: Uncertain significance for Breast-ovarian cancer, familial, susceptibility to, 4. Last evaluated: 2023-07-17. Review status: criteria provided, single submitter. Criteria: Invitae Variant Classification Sherloc (09022015). Collection method: clinical testing. Allele origin: germline.
Comment: Advanced modeling of protein sequence and biophysical properties (such as structural, functional, and spatial information, amino acid conservation, physicochemical variation, residue mobility, and thermodynamic stability) performed at Invitae indicates that this missense variant is not expected to disrupt RAD51D protein function. ClinVar contains an entry for this variant (Variation ID: 410556). This variant has not been reported in the literature in individuals affected with RAD51D-related conditions. This variant is not present in population databases (gnomAD no frequency). This sequence change replaces valine, which is neutral and non-polar, with alanine, which is neutral and non-polar, at codon 245 of the RAD51D protein (p.Val245Ala). In summary, the available evidence is currently insufficient to determine the role of this variant in disease. Therefore, it has been classified as a Variant of Uncertain Significance.